The following is an entry in ClinVar:

NM_000051.4(ATM):c.7719T>C (p.Thr2573=)

Genes: ATM (ATM serine/threonine kinase; plus strand), C11orf65 (chromosome 11 open reading frame 65; minus strand). Cytogenetic location: 11q22.3.
Variant type: single nucleotide variant.
Coding change: c.7719T>C on transcript NM_000051.4 (MANE Select); coding-DNA position 7719, T replaced by C.
Protein change: p.Thr2573=; no amino-acid change (threonine 2573 retained).
Molecular consequence: synonymous variant. On other transcripts: intron variant (2).
Genome position (GRCh38, 1-based): chr11:108,331,968, T>C. VCF-style: chr11-108331968-T-C. GRCh37 (hg19) VCF-style: chr11-108202695-T-C.
Other names: c.7719T>C, p.Thr2573= (NM_001351834.2); c.641-22897A>G (NM_001330368.2); c.*38+3252A>G (NM_001351110.2).
Identifiers: ClinVar variation 1760289 (VCV001760289.3), dbSNP rs2136523339, ClinGen allele CA476677229.
Genomic context (GRCh38, chr11:108,331,968, plus strand): 5'-CCATCACACTTTGTTTATTATACTGGCCTTAGCAAATGCAAACAGAGATGAATTTCTGAC[T>C]AAACCAGAGGTAGCCAGAAGAAGCAGAATAACTAAAAATGTGCCTAAACAAAGCTCTCAG-3'
Protein context (NP_000042.3, residues 2563-2583): LANANRDEFL[Thr2573=]KPEVARRSRI

ClinVar aggregate classification (germline): Benign/Likely benign. Review status: criteria provided, multiple submitters, no conflicts (2 of 4 stars). 2 submissions from 2 submitters: Benign (1); Likely benign (1). Last evaluated 2024-06-17.

Conditions:
Hereditary cancer-predisposing syndrome. Also called: Hereditary neoplastic syndrome; Neoplastic Syndromes, Hereditary; Tumor predisposition; Hereditary Cancer Syndrome. Identifiers: Orphanet 140162, MedGen C0027672, MeSH D009386, MONDO:0015356.
Familial cancer of breast. Also called: Hereditary breast cancer; hereditary breast carcinoma; BREAST CANCER, FAMILIAL. Identifiers: Orphanet 227535, MedGen C0346153, MONDO:0016419, OMIM 114480. Disease mechanism: loss of function.

Submissions (2):

Myriad Genetics, Inc.
Classification: Benign for Familial cancer of breast. Last evaluated: 2024-06-17. Review status: criteria provided, single submitter. Criteria: Myriad Autosomal Dominant, Autosomal Recessive and X-Linked Classification Criteria (2023). Collection method: clinical testing. Allele origin: unknown.
Comment: This variant is considered benign. This variant is a silent/synonymous amino acid change and it is not expected to impact splicing.

Ambry Genetics
Classification: Likely benign for Hereditary cancer-predisposing syndrome. Last evaluated: 2020-02-27. Review status: criteria provided, single submitter. Criteria: Ambry Variant Classification Scheme 2023. Collection method: clinical testing. Allele origin: germline.